The following is an entry in ClinVar:

NM_002878.4(RAD51D):c.32dup (p.Leu12fs)

Genes: RAD51L3-RFFL (RAD51L3-RFFL readthrough; minus strand), RAD51D (RAD51 paralog D; minus strand). Cytogenetic location: 17q12.
Variant type: Duplication.
Coding change: c.32dup on transcript NM_002878.4 (MANE Select); coding-DNA position 32, one base duplicated (G; older notation c.32dupG).
Protein change: p.Leu12fs; shifts the reading frame from leucine 12.
Molecular consequence: frameshift variant. On other transcripts: non-coding transcript variant (2).
Genome position (GRCh38, 1-based): chr17:35,119,582, C duplicated on the plus strand (G on the coding strand, the reverse complement: RAD51D is on the minus strand); the first of 2 consecutive C bases (chr17:35,119,582-35,119,583); duplicating either gives the same sequence. VCF-style (leftmost placement, unchanged base first): chr17-35119581-G-GC. GRCh37 (hg19) VCF-style: chr17-33446600-G-GC.
Other names: c.32dup, p.Leu12fs (NM_001142571.2, NM_133629.3); short protein forms L12fs.
Identifiers: ClinVar variation 3721489 (VCV003721489.3).

ClinVar aggregate classification (germline): Pathogenic. Review status: criteria provided, multiple submitters, no conflicts (2 of 4 stars). 2 submissions from 2 submitters: Pathogenic (2). Last evaluated 2025-02-12.

Conditions:
Breast-ovarian cancer, familial, susceptibility to, 4. Identifiers: Orphanet 145, MedGen C3280345, MONDO:0013669, OMIM 614291.

Submissions (2):

Myriad Genetics, Inc.
Classification: Pathogenic for Breast-ovarian cancer, familial, susceptibility to, 4. Last evaluated: 2025-02-12. Review status: criteria provided, single submitter. Criteria: Myriad Autosomal Dominant, Autosomal Recessive and X-Linked Classification Criteria (2023). Collection method: clinical testing. Allele origin: unknown.
Comment: This variant is considered pathogenic. This variant creates a frameshift predicted to result in premature protein truncation.

Labcorp Genetics (formerly Invitae), Labcorp
Classification: Pathogenic for Breast-ovarian cancer, familial, susceptibility to, 4. Last evaluated: 2024-09-25. Review status: criteria provided, single submitter. Criteria: Invitae Variant Classification Sherloc (09022015). Collection method: clinical testing. Allele origin: germline.
Comment: This sequence change creates a premature translational stop signal (p.Leu12Profs*59) in the RAD51D gene. It is expected to result in an absent or disrupted protein product. Loss-of-function variants in RAD51D are known to be pathogenic (PMID: 21822267). This variant is not present in population databases (gnomAD no frequency). This variant has not been reported in the literature in individuals affected with RAD51D-related conditions. For these reasons, this variant has been classified as Pathogenic.

Literature cited by the submitters: PubMed 21822267 (cited by Labcorp Genetics (formerly Invitae), Labcorp).